The following is an entry in ClinVar:

ClinVar aggregate classification (germline): Uncertain significance. Review status: criteria provided, multiple submitters, no conflicts (2 of 4 stars). 2 submissions from 2 submitters: Uncertain significance (2). Last evaluated 2025-10-02.

Conditions:
Desmin-related myofibrillar myopathy (MFM1). Also called: Desminopathy; MYOFIBRILLAR MYOPATHY WITH ARRHYTHMOGENIC RIGHT VENTRICULAR CARDIOMYOPATHY; DESMIN-RELATED MYOPATHY WITH ARRHYTHMOGENIC RIGHT VENTRICULAR CARDIOMYOPATHY; Myofibrillar myopathy 1; Desmin related myopathy (former name); Desmin storage myopathy (former name). Identifiers: Orphanet 363543, Orphanet 98909, MedGen C1832370, MONDO:0011076, OMIM 601419.
Cardiovascular phenotype. Identifiers: MedGen CN230736.

Allele frequency attached by ClinVar (database versions not stated): gnomAD exomes below 0.00001; ExAC 0.00001; TOPMed 0.00002.

Submissions (2):

Labcorp Genetics (formerly Invitae), Labcorp
Classification: Uncertain significance for Desmin-related myofibrillar myopathy. Last evaluated: 2025-10-02. Review status: criteria provided, single submitter. Criteria: Invitae Variant Classification Sherloc (09022015). Collection method: clinical testing. Allele origin: germline.
Comment: This sequence change replaces glutamine, which is neutral and polar, with arginine, which is basic and polar, at codon 421 of the DES protein (p.Gln421Arg). This variant is present in population databases (rs756613339, gnomAD 0.003%). This variant has not been reported in the literature in individuals affected with DES-related conditions. ClinVar contains an entry for this variant (Variation ID: 571645). Invitae Evidence Modeling of protein sequence and biophysical properties (such as structural, functional, and spatial information, amino acid conservation, physicochemical variation, residue mobility, and thermodynamic stability) has been performed for this missense variant. However, the output from this modeling did not meet the statistical confidence thresholds required to predict the impact of this variant on DES protein function. In summary, the available evidence is currently insufficient to determine the role of this variant in disease. Therefore, it has been classified as a Variant of Uncertain Significance.

Ambry Genetics
Classification: Uncertain significance for Cardiovascular phenotype. Last evaluated: 2025-05-24. Review status: criteria provided, single submitter. Criteria: Ambry Variant Classification Scheme 2023. Collection method: clinical testing. Allele origin: germline.
Comment: The p.Q421R variant (also known as c.1262A>G), located in coding exon 7 of the DES gene, results from an A to G substitution at nucleotide position 1262. The glutamine at codon 421 is replaced by arginine, an amino acid with highly similar properties. This amino acid position is conserved. In addition, this alteration is predicted to be deleterious by in silico analysis. Based on the available evidence, the clinical significance of this variant remains unclear.

NM_001927.4(DES):c.1262A>G (p.Gln421Arg)

Gene: DES (desmin; plus strand). Cytogenetic location: 2q35.
Variant type: single nucleotide variant.
Coding change: c.1262A>G on transcript NM_001927.4 (MANE Select); coding-DNA position 1262, A replaced by G.
Protein change: p.Gln421Arg; replaces glutamine 421 with arginine.
Molecular consequence: missense variant.
Genome position (GRCh38, 1-based): chr2:219,423,794, A>G. VCF-style: chr2-219423794-A-G. GRCh37 (hg19) VCF-style: chr2-220288516-A-G.
Other names: c.1262A>G (LRG_380t1); short protein forms Q421R.
Identifiers: ClinVar variation 571645 (VCV000571645.10), dbSNP rs756613339, ClinGen allele CA2125279.